The following is an entry in ClinVar:

ClinVar aggregate classification (germline): Likely pathogenic (1 of 4 stars; one submission).

Conditions:
Atypical hemolytic-uremic syndrome. Identifiers: Orphanet 2134, MedGen C2931788, MONDO:0016244.
Factor H deficiency (CFHD). Also called: COMPLEMENT FACTOR H DEFICIENCY; CFH DEFICIENCY. Identifiers: Orphanet 200421, MedGen C0398777, MONDO:0012350, OMIM 609814.

gnomAD v4.1: 2 of 1,612,090 alleles (0.00012%); highest among the groups gnomAD compares: East Asian, 0.0022%; no homozygotes.

Submission:

Genomenon, Inc
Classification: Likely pathogenic for Atypical hemolytic-uremic syndrome; Factor H deficiency. Last evaluated: 2026-09-17. Review status: criteria provided, single submitter. Criteria: Genomenon Sequence Variant Interpretation Standards - Updated. Collection method: curation. Allele origin: germline. Affected: yes.
Comment: CFH p.Cys870Arg (c.2608T>C) is a missense variant that changes the amino acid at codon 870 from cysteine to arginine. This variant has been observed in at least one proband affected with a CFH-related disorder (PMID: 38041748; 18268093). It is absent or not present at a significant frequency in gnomAD. In silico models predict that this variant is possibly or probably damaging. In conclusion, we classify CFH p.Cys870Arg (c.2608T>C) as a likely pathogenic variant.

Literature cited by the submitters: PubMed 38041748; PubMed 18268093.

NM_000186.4(CFH):c.2608T>C (p.Cys870Arg)

Gene: CFH (complement factor H; plus strand). Cytogenetic location: 1q31.3.
Variant type: single nucleotide variant.
Coding change: c.2608T>C on transcript NM_000186.4 (MANE Select); coding-DNA position 2608, T replaced by C.
Protein change: p.Cys870Arg; replaces cysteine 870 with arginine.
Molecular consequence: missense variant.
Genome position (GRCh38, 1-based): chr1:196,737,486, T>C. VCF-style: chr1-196737486-T-C. GRCh37 (hg19) VCF-style: chr1-196706616-T-C.
Other names: short protein forms C870R.
Identifiers: ClinVar variation 4291493 (VCV004291493.3).